The following is an entry in ClinVar:

NM_016816.4(OAS1):c.744T>A (p.His248Gln)

Gene: OAS1 (2'-5'-oligoadenylate synthetase 1; plus strand). Cytogenetic location: 12q24.13.
Variant type: single nucleotide variant.
Coding change: c.744T>A on transcript NM_016816.4 (MANE Select); coding-DNA position 744, T replaced by A.
Protein change: p.His248Gln; replaces histidine 248 with glutamine.
Molecular consequence: missense variant.
Genome position (GRCh38, 1-based): chr12:112,916,598, T>A. VCF-style: chr12-112916598-T-A. GRCh37 (hg19) VCF-style: chr12-113354403-T-A.
Other names: c.744T>A, p.His248Gln (NM_001032409.3, NM_001320151.2, NM_002534.4); short protein forms H248Q.
Identifiers: ClinVar variation 1496686 (VCV001496686.8), dbSNP rs2136317939, ClinGen allele CA386805511.
Genomic context (GRCh38, chr12:112,916,598, plus strand): 5'-TCAGTATGCCCTGGAGCTCCTGACGGTCTATGCTTGGGAGCGAGGGAGCATGAAAACACA[T>A]TTCAACACAGCCCAGGGATTTCGGACGGTCTTGGAATTAGTCATAAACTACCAGCAACTC-3'
Protein context (NP_058132.2, residues 238-258): YAWERGSMKT[His248Gln]FNTAQGFRTV

ClinVar aggregate classification (germline): Uncertain significance (1 of 4 stars; one submission).

Submission:

Labcorp Genetics (formerly Invitae), Labcorp
Classification: Uncertain significance. Last evaluated: 2022-09-19. Review status: criteria provided, single submitter. Criteria: Invitae Variant Classification Sherloc (09022015). Collection method: clinical testing. Allele origin: germline.
Comment: In summary, the available evidence is currently insufficient to determine the role of this variant in disease. Therefore, it has been classified as a Variant of Uncertain Significance. Algorithms developed to predict the effect of missense changes on protein structure and function are either unavailable or do not agree on the potential impact of this missense change (SIFT: "Not Available"; PolyPhen-2: "Benign"; Align-GVGD: "Not Available"). ClinVar contains an entry for this variant (Variation ID: 1496686). This variant has not been reported in the literature in individuals affected with OAS1-related conditions. This variant is not present in population databases (gnomAD no frequency). This sequence change replaces histidine, which is basic and polar, with glutamine, which is neutral and polar, at codon 248 of the OAS1 protein (p.His248Gln).